The following is an entry in ClinVar:

ClinVar aggregate classification (germline): Pathogenic (1 of 4 stars; one submission).

Submission:

Labcorp Genetics (formerly Invitae), Labcorp
Classification: Pathogenic. Last evaluated: 2023-07-19. Review status: criteria provided, single submitter. Criteria: Invitae Variant Classification Sherloc (09022015). Collection method: clinical testing. Allele origin: germline.
Comment: For these reasons, this variant has been classified as Pathogenic. This variant has not been reported in the literature in individuals affected with SLC5A5-related conditions. This variant is not present in population databases (gnomAD no frequency). This sequence change creates a premature translational stop signal (p.Glu8Glyfs*38) in the SLC5A5 gene. It is expected to result in an absent or disrupted protein product. Loss-of-function variants in SLC5A5 are known to be pathogenic (PMID: 9388506, 9486973).

Literature cited by the submitters: PubMed 9388506; PubMed 9486973.

NM_000453.3(SLC5A5):c.22dup (p.Glu8fs)

Gene: SLC5A5 (solute carrier family 5 member 5; plus strand). Cytogenetic location: 19p13.11.
Variant type: Duplication.
Coding change: c.22dup on transcript NM_000453.3 (MANE Select); coding-DNA position 22, one base duplicated (G; older notation c.22dupG).
Protein change: p.Glu8fs; shifts the reading frame from glutamic acid 8.
Molecular consequence: frameshift variant.
Genome position (GRCh38, 1-based): chr19:17,872,341, G duplicated; the last of 4 consecutive G bases (chr19:17,872,338-17,872,341); duplicating any one gives the same sequence. VCF-style (leftmost placement, unchanged base first): chr19-17872337-C-CG. GRCh37 (hg19) VCF-style: chr19-17983146-C-CG.
Other names: short protein forms E8fs.
Identifiers: ClinVar variation 2744998 (VCV002744998.3), dbSNP rs2514611070, ClinGen allele CA2697556421.